The following is an entry in ClinVar:

ClinVar aggregate classification (germline): Uncertain significance. Review status: criteria provided, multiple submitters, no conflicts (2 of 4 stars). 2 submissions from 2 submitters: Uncertain significance (2). Last evaluated 2024-12-16.

Conditions:
Inborn genetic diseases. Identifiers: MedGen C0950123, MeSH D030342.
Short-rib thoracic dysplasia 11 with or without polydactyly (SRTD11). Also called: SHORT-RIB THORACIC DYSPLASIA 11 WITHOUT POLYDACTYLY. Identifiers: Orphanet 474, Orphanet 93271, MedGen C3810200, MONDO:0014287, OMIM 615633.

Allele frequency attached by ClinVar (database versions not stated): ExAC 0.00016; gnomAD 0.00027 and 0.00031; 1000 Genomes Project 30x 0.00031; TOPMed 0.00033; ESP Exome Variant Server 0.00038; 1000 Genomes Project 0.00040.
gnomAD v4.1: 89 of 1,611,152 alleles (0.0055%); highest among the groups gnomAD compares: African/African-American, 0.099%; no homozygotes.

Submissions (2):

Labcorp Genetics (formerly Invitae), Labcorp
Classification: Uncertain significance for Short-rib thoracic dysplasia 11 with or without polydactyly. Last evaluated: 2024-12-16. Review status: criteria provided, single submitter. Criteria: Invitae Variant Classification Sherloc (09022015). Collection method: clinical testing. Allele origin: germline.
Comment: This sequence change replaces arginine, which is basic and polar, with tryptophan, which is neutral and slightly polar, at codon 373 of the WDR34 protein (p.Arg373Trp). This variant is present in population databases (rs146903531, gnomAD 0.1%). This variant has not been reported in the literature in individuals affected with WDR34-related conditions. ClinVar contains an entry for this variant (Variation ID: 1681202). An algorithm developed to predict the effect of missense changes on protein structure and function (PolyPhen-2) suggests that this variant is likely to be disruptive. In summary, the available evidence is currently insufficient to determine the role of this variant in disease. Therefore, it has been classified as a Variant of Uncertain Significance.

Ambry Genetics
Classification: Uncertain significance for Inborn genetic diseases. Last evaluated: 2024-05-14. Review status: criteria provided, single submitter. Criteria: Ambry Variant Classification Scheme 2023. Collection method: clinical testing. Allele origin: germline.

NM_052844.4(DYNC2I2):c.1117C>T (p.Arg373Trp)

Genes: DYNC2I2 (dynein 2 intermediate chain 2; minus strand), LOC126860772 (CDK7 strongly-dependent group 2 enhancer GRCh37_chr9:131396972-131398171; plus strand). Cytogenetic location: 9q34.11.
Variant type: single nucleotide variant.
Coding change: c.1117C>T on transcript NM_052844.4 (MANE Select); coding-DNA position 1117, C replaced by T.
Protein change: p.Arg373Trp; replaces arginine 373 with tryptophan.
Molecular consequence: missense variant.
Genome position (GRCh38, 1-based): chr9:128,634,786, G>A on the plus strand (C>T on the coding strand, the complement: DYNC2I2 is on the minus strand). VCF-style: chr9-128634786-G-A. GRCh37 (hg19) VCF-style: chr9-131397065-G-A.
Other names: c.1117C>T (NM_052844.3); short protein forms R373W.
Identifiers: ClinVar variation 1681202 (VCV001681202.5), dbSNP rs146903531, ClinGen allele CA5266338.
Genomic context (GRCh38, chr9:128,634,786, plus strand): 5'-CGCCGTGGGGGGAGAAGGTAAACTGTGCTGGGGCCCGCAGGGGCACGGAGCTGGGCATCC[G>A]CGTGAGGGCTGCCTCTCCAGCTGCCAGGGAACACTTGAGCGGGAAGCCGCCTTCCGTGCC-3'
Protein context (NP_443076.2, residues 363-383): SLAAGEAALT[Arg373Trp]MPSSVPLRAP